The following is an entry in ClinVar:

NM_033656.4(BRWD1):c.2893-1G>T

Gene: BRWD1 (bromodomain and WD repeat domain containing 1; minus strand). Cytogenetic location: 21q22.2.
Variant type: single nucleotide variant.
Coding change: c.2893-1G>T on transcript NM_033656.4 (MANE Select); the canonical splice acceptor site of the intron before coding-DNA position 2893, G replaced by T.
Molecular consequence: splice acceptor variant.
Genome position (GRCh38, 1-based): chr21:39,232,285, C>A on the plus strand (G>T on the coding strand, the complement: BRWD1 is on the minus strand). VCF-style: chr21-39232285-C-A. GRCh37 (hg19) VCF-style: chr21-40604211-C-A.
Other names: c.2893-1G>T (NM_018963.5).
Identifiers: ClinVar variation 2628430 (VCV002628430.1), dbSNP rs2516967725, ClinGen allele CA409962489.

ClinVar aggregate classification (germline): Uncertain significance (1 of 4 stars; one submission).

Conditions:
BRWD1-related disorder. Also called: BRWD1-related condition.

Submission:

PreventionGenetics, part of Exact Sciences
Classification: Uncertain significance for BRWD1-related condition. Last evaluated: 2022-10-11. Review status: criteria provided, single submitter. Criteria: ACMG Guidelines, 2015. Collection method: clinical testing. Allele origin: germline.
Comment: The BRWD1 c.2893-1G>T variant is predicted to disrupt the AG splice acceptor site and interfere with normal splicing. To our knowledge, this variant has not been reported in the literature or in a large population database, indicating this variant is rare. Although we suspect that this variant may be pathogenic, at this time, the clinical significance of this variant is uncertain due to the absence of conclusive functional and genetic evidence.